The following is an entry in ClinVar:

NM_001261826.3(AP3D1):c.2908A>G (p.Asn970Asp)

Gene: AP3D1 (adaptor related protein complex 3 subunit delta 1; minus strand). Cytogenetic location: 19p13.3.
Variant type: single nucleotide variant.
Coding change: c.2908A>G on transcript NM_001261826.3 (MANE Select); coding-DNA position 2908, A replaced by G.
Protein change: p.Asn970Asp; replaces asparagine 970 with aspartic acid.
Molecular consequence: missense variant.
Genome position (GRCh38, 1-based): chr19:2,111,708, T>C on the plus strand (A>G on the coding strand, the complement: AP3D1 is on the minus strand). VCF-style: chr19-2111708-T-C. GRCh37 (hg19) VCF-style: chr19-2111707-T-C.
Other names: c.2872A>G, p.Asn958Asp (NM_001374799.1); c.2722A>G, p.Asn908Asp (NM_003938.8); short protein forms N970D, N908D, N958D.
Identifiers: ClinVar variation 4714045 (VCV004714045.1).
Genomic context (GRCh38, chr19:2,111,708, plus strand): 5'-CGTGGGGCGGGGGCGCTGAAGTACCCCTCACCGGGAGCTGCTCCTCCTCTGGCGCGCCAT[T>C]CTGCACCGGCTCCCCCGCTGCCTCCTCGCTGCCTGGAGGCTGCTTCTTGGACTTCTTCTT-3'
Protein context (NP_001248755.1, residues 960-980): SEEAAGEPVQ[Asn970Asp]GAPEEEQLPP

ClinVar aggregate classification (germline): Uncertain significance (1 of 4 stars; one submission).

Submission:

Labcorp Genetics (formerly Invitae), Labcorp
Classification: Uncertain significance. Last evaluated: 2025-02-27. Review status: criteria provided, single submitter. Criteria: Invitae Variant Classification Sherloc (09022015). Collection method: clinical testing. Allele origin: germline.
Comment: This sequence change replaces asparagine, which is neutral and polar, with aspartic acid, which is acidic and polar, at codon 970 of the AP3D1 protein (p.Asn970Asp). This variant is not present in population databases (gnomAD no frequency). This variant has not been reported in the literature in individuals affected with AP3D1-related conditions. An algorithm developed to predict the effect of missense changes on protein structure and function (PolyPhen-2) suggests that this variant is likely to be tolerated. In summary, the available evidence is currently insufficient to determine the role of this variant in disease. Therefore, it has been classified as a Variant of Uncertain Significance.